The following is an entry in ClinVar:

NM_015166.4(MLC1):c.396A>T (p.Lys132Asn)

Gene: MLC1 (modulator of VRAC current 1; minus strand). Cytogenetic location: 22q13.33.
Variant type: single nucleotide variant.
Coding change: c.396A>T on transcript NM_015166.4 (MANE Select); coding-DNA position 396, A replaced by T.
Protein change: p.Lys132Asn; replaces lysine 132 with asparagine.
Molecular consequence: missense variant. On other transcripts: non-coding transcript variant (3), intron variant (3).
Genome position (GRCh38, 1-based): chr22:50,079,945, T>A on the plus strand (A>T on the coding strand, the complement: MLC1 is on the minus strand). VCF-style: chr22-50079945-T-A. GRCh37 (hg19) VCF-style: chr22-50518374-T-A.
Other names: c.396A>T, p.Lys132Asn (NM_001376472.1, NM_001376473.1, NM_001376474.1 and 6 more transcripts); c.306A>T, p.Lys102Asn (NM_001376480.1); c.159A>T, p.Lys53Asn (NM_001376484.1); c.268-2443A>T (NM_001376482.1, NM_001376483.1); c.321+399A>T (NM_001376481.1); short protein forms K102N, K132N, K53N.
Identifiers: ClinVar variation 2428489 (VCV002428489.3), dbSNP rs778038540, ClinGen allele CA412110616.

ClinVar aggregate classification (germline): Uncertain significance (1 of 4 stars; one submission).

gnomAD v4.1: 2 of 1,613,792 alleles (0.00012%); highest among the groups gnomAD compares: Admixed American, 0.0017%; no homozygotes.

Submission:

Labcorp Genetics (formerly Invitae), Labcorp
Classification: Uncertain significance. Last evaluated: 2022-03-27. Review status: criteria provided, single submitter. Criteria: Invitae Variant Classification Sherloc (09022015). Collection method: clinical testing. Allele origin: germline.
Comment: This sequence change replaces lysine, which is basic and polar, with asparagine, which is neutral and polar, at codon 132 of the MLC1 protein (p.Lys132Asn). This variant is present in population databases (no rsID available, gnomAD 0.1%). This variant has not been reported in the literature in individuals affected with MLC1-related conditions. Algorithms developed to predict the effect of missense changes on protein structure and function (SIFT, PolyPhen-2, Align-GVGD) all suggest that this variant is likely to be disruptive. In summary, the available evidence is currently insufficient to determine the role of this variant in disease. Therefore, it has been classified as a Variant of Uncertain Significance.